The following is an entry in ClinVar:

ClinVar aggregate classification (germline): Uncertain significance (1 of 4 stars; one submission).

Conditions:
KPTN-related disorder. Also called: KPTN-related condition. Identifiers: MedGen CN381532.

Submission:

PreventionGenetics, part of Exact Sciences
Classification: Uncertain significance for KPTN-related condition. Last evaluated: 2022-09-20. Review status: criteria provided, single submitter. Criteria: ACMG Guidelines, 2015. Collection method: clinical testing. Allele origin: germline.
Comment: The KPTN c.364G>A variant is predicted to result in the amino acid substitution p.Gly122Ser. To our knowledge, this variant has not been reported in the literature or in a large population database, indicating this variant is rare. At this time, the clinical significance of this variant is uncertain due to the absence of conclusive functional and genetic evidence.

NM_007059.4(KPTN):c.364G>A (p.Gly122Ser)

Gene: KPTN (kaptin, actin binding protein; minus strand). Cytogenetic location: 19q13.32.
Variant type: single nucleotide variant.
Coding change: c.364G>A on transcript NM_007059.4 (MANE Select); coding-DNA position 364, G replaced by A.
Protein change: p.Gly122Ser; replaces glycine 122 with serine.
Molecular consequence: missense variant. On other transcripts: non-coding transcript variant (1), intron variant (1).
Genome position (GRCh38, 1-based): chr19:47,483,325, C>T on the plus strand (G>A on the coding strand, the complement: KPTN is on the minus strand). VCF-style: chr19-47483325-C-T. GRCh37 (hg19) VCF-style: chr19-47986582-C-T.
Other names: c.227-110G>A (NM_001291296.2); short protein forms G122S.
Identifiers: ClinVar variation 2637237 (VCV002637237.1), dbSNP rs2515251260, ClinGen allele CA406605819.